The following is an entry in ClinVar:

ClinVar aggregate classification (germline): Conflicting classifications of pathogenicity. Review status: criteria provided, conflicting classifications (1 of 4 stars). 2 submissions from 2 submitters: Uncertain significance (1); Likely benign (1). Last evaluated 2025-03-30.

Conditions:
Hereditary cancer-predisposing syndrome. Also called: Tumor predisposition; Neoplastic Syndromes, Hereditary; Hereditary Cancer Syndrome; Hereditary neoplastic syndrome. Identifiers: Orphanet 140162, MedGen C0027672, MeSH D009386, MONDO:0015356.
Tumor predisposition syndrome 3 (TPDS3). Also called: Glioma susceptibility 9; LONG TELOMERE SYNDROME, POT1-RELATED; POT1 Tumor Predisposition; Melanoma, cutaneous malignant, susceptibility to, 10. Identifiers: Orphanet 618, MedGen C4014476, MONDO:0014368, OMIM 615848.

Allele frequency attached by ClinVar (database versions not stated): gnomAD exomes below 0.00001.
gnomAD v4.1: 4 of 1,603,166 alleles (0.00025%); highest among the groups gnomAD compares: East Asian, 0.0022%; no homozygotes.

Submissions (2):

Labcorp Genetics (formerly Invitae), Labcorp
Classification: Uncertain significance for Tumor predisposition syndrome 3. Last evaluated: 2025-03-30. Review status: criteria provided, single submitter. Criteria: Invitae Variant Classification Sherloc (09022015). Collection method: clinical testing. Allele origin: germline.
Comment: This sequence change replaces phenylalanine, which is neutral and non-polar, with serine, which is neutral and polar, at codon 375 of the POT1 protein (p.Phe375Ser). This variant is not present in population databases (gnomAD no frequency). This variant has not been reported in the literature in individuals affected with POT1-related conditions. ClinVar contains an entry for this variant (Variation ID: 1798744). Invitae Evidence Modeling of protein sequence and biophysical properties (such as structural, functional, and spatial information, amino acid conservation, physicochemical variation, residue mobility, and thermodynamic stability) indicates that this missense variant is not expected to disrupt POT1 protein function with a negative predictive value of 80%. In summary, the available evidence is currently insufficient to determine the role of this variant in disease. Therefore, it has been classified as a Variant of Uncertain Significance.

Ambry Genetics
Classification: Likely benign for Hereditary cancer-predisposing syndrome. Last evaluated: 2024-04-08. Review status: criteria provided, single submitter. Criteria: Ambry Variant Classification Scheme 2023. Collection method: clinical testing. Allele origin: germline.

NM_015450.3(POT1):c.1124T>C (p.Phe375Ser)

Gene: POT1 (protection of telomeres 1; minus strand). Cytogenetic location: 7q31.33.
Variant type: single nucleotide variant.
Coding change: c.1124T>C on transcript NM_015450.3 (MANE Select); coding-DNA position 1124, T replaced by C.
Protein change: p.Phe375Ser; replaces phenylalanine 375 with serine.
Molecular consequence: missense variant. On other transcripts: non-coding transcript variant (3).
Genome position (GRCh38, 1-based): chr7:124,842,846, A>G on the plus strand (T>C on the coding strand, the complement: POT1 is on the minus strand). VCF-style: chr7-124842846-A-G. GRCh37 (hg19) VCF-style: chr7-124482900-A-G.
Other names: c.731T>C, p.Phe244Ser (NM_001042594.2); short protein forms F244S, F375S.
Identifiers: ClinVar variation 1798744 (VCV001798744.5), dbSNP rs2485401809, ClinGen allele CA369068242.